The following is an entry in ClinVar:

ClinVar aggregate classification (germline): Likely benign (0 of 4 stars; one submission).

Conditions:
TRPC3-related disorder. Also called: TRPC3-related condition.

Submission:

PreventionGenetics, part of Exact Sciences
Classification: Likely benign for TRPC3-related condition. Last evaluated: 2019-02-20. Review status: no assertion criteria provided. Collection method: clinical testing. Allele origin: germline.
Comment: This variant is classified as likely benign based on ACMG/AMP sequence variant interpretation guidelines (Richards et al. 2015 PMID: 25741868, with internal and published modifications).

NM_001130698.2(TRPC3):c.-6G>A

Genes: TRPC3 (transient receptor potential cation channel subfamily C member 3; minus strand), LOC129993038 (ATAC-STARR-seq lymphoblastoid silent region 15662; plus strand). Cytogenetic location: 4q27.
Variant type: single nucleotide variant.
Coding change: c.-6G>A on transcript NM_001130698.2 (MANE Select); 6 bases upstream of the start codon, G replaced by A.
Molecular consequence: 5 prime UTR variant.
Genome position (GRCh38, 1-based): chr4:121,951,686, C>T on the plus strand (G>A on the coding strand, the complement: TRPC3 is on the minus strand). VCF-style: chr4-121951686-C-T. GRCh37 (hg19) VCF-style: chr4-122872841-C-T.
Other names: c.-6G>A (NM_001366479.2).
Identifiers: ClinVar variation 3058016 (VCV003058016.2), dbSNP rs2477074365, ClinGen allele CA2671953235.